The following is an entry in ClinVar:

NM_003680.4(YARS1):c.488G>T (p.Gly163Val)

Gene: YARS1 (tyrosyl-tRNA synthetase 1; minus strand). Cytogenetic location: 1p35.1.
Variant type: single nucleotide variant.
Coding change: c.488G>T on transcript NM_003680.4 (MANE Select); coding-DNA position 488, G replaced by T.
Protein change: p.Gly163Val; replaces glycine 163 with valine.
Molecular consequence: missense variant.
Genome position (GRCh38, 1-based): chr1:32,806,504, C>A on the plus strand (G>T on the coding strand, the complement: YARS1 is on the minus strand). VCF-style: chr1-32806504-C-A. GRCh37 (hg19) VCF-style: chr1-33272105-C-A.
Other names: short protein forms G163V.
Identifiers: ClinVar variation 1039511 (VCV001039511.7), dbSNP rs1638469949, ClinGen allele CA339686738.

ClinVar aggregate classification (germline): Uncertain significance (1 of 4 stars; one submission).

Conditions:
Charcot-Marie-Tooth disease dominant intermediate C (CMTDIC). Also called: CHARCOT-MARIE-TOOTH NEUROPATHY, DOMINANT INTERMEDIATE C. Identifiers: Orphanet 100045, MedGen C1842237, MONDO:0012012, OMIM 608323.

gnomAD v4.1: 1 of 1,614,130 alleles (0.000062%); highest among the groups gnomAD compares: Non-Finnish European, 0.000085%; no homozygotes.

Submission:

Labcorp Genetics (formerly Invitae), Labcorp
Classification: Uncertain significance for Charcot-Marie-Tooth disease dominant intermediate C. Last evaluated: 2025-01-27. Review status: criteria provided, single submitter. Criteria: Invitae Variant Classification Sherloc (09022015). Collection method: clinical testing. Allele origin: germline.
Comment: This sequence change replaces glycine, which is neutral and non-polar, with valine, which is neutral and non-polar, at codon 163 of the YARS protein (p.Gly163Val). This variant is not present in population databases (gnomAD no frequency). This variant has not been reported in the literature in individuals affected with YARS-related conditions. ClinVar contains an entry for this variant (Variation ID: 1039511). Invitae Evidence Modeling of protein sequence and biophysical properties (such as structural, functional, and spatial information, amino acid conservation, physicochemical variation, residue mobility, and thermodynamic stability) indicates that this missense variant is expected to disrupt YARS protein function with a positive predictive value of 80%. In summary, the available evidence is currently insufficient to determine the role of this variant in disease. Therefore, it has been classified as a Variant of Uncertain Significance.